The following is an entry in ClinVar:

NM_145038.5(DRC1):c.1868A>G (p.Asn623Ser)

Gene: DRC1 (dynein regulatory complex subunit 1; plus strand). Cytogenetic location: 2p23.3.
Variant type: single nucleotide variant.
Coding change: c.1868A>G on transcript NM_145038.5 (MANE Select); coding-DNA position 1868, A replaced by G.
Protein change: p.Asn623Ser; replaces asparagine 623 with serine.
Molecular consequence: missense variant.
Genome position (GRCh38, 1-based): chr2:26,453,498, A>G. VCF-style: chr2-26453498-A-G. GRCh37 (hg19) VCF-style: chr2-26676366-A-G.
Other names: short protein forms N623S.
Identifiers: ClinVar variation 407100 (VCV000407100.8), dbSNP rs573043964, ClinGen allele CA1562420.
Genomic context (GRCh38, chr2:26,453,498, plus strand): 5'-TGGAAGGGGAGAAGGAGGAAGAGGAGGAGACCCCACCCTCCCCCTGGGTCATCCACCCCA[A>G]TGATGTCCTCAAGATTCTGGAGGCCTTCGTCATGGGTCTGAAGAAGCCTAGGTGGGCTGC-3'
Protein context (NP_659475.2, residues 613-633): TPPSPWVIHP[Asn623Ser]DVLKILEAFV

ClinVar aggregate classification (germline): Uncertain significance. Review status: criteria provided, multiple submitters, no conflicts (2 of 4 stars). 3 submissions from 3 submitters: Uncertain significance (3). Last evaluated 2025-06-03.

Conditions:
Inborn genetic diseases. Identifiers: MedGen C0950123, MeSH D030342.
Primary ciliary dyskinesia. Also called: Ciliary dyskinesia. Identifiers: Orphanet 244, MedGen C0008780, MONDO:0016575, HP:0012265.

Allele frequency attached by ClinVar (database versions not stated): TOPMed 0.00006; ExAC 0.00007; gnomAD exomes 0.00009; 1000 Genomes Project 30x 0.00016; 1000 Genomes Project 0.00020.
gnomAD v4.1: 126 of 1,614,206 alleles (0.0078%); highest among the groups gnomAD compares: Admixed American, 0.028%; no homozygotes.

Submissions (3):

Ambry Genetics
Classification: Uncertain significance for Inborn genetic diseases. Last evaluated: 2025-06-03. Review status: criteria provided, single submitter. Criteria: Ambry Variant Classification Scheme 2023. Collection method: clinical testing. Allele origin: germline.

Blueprint Genetics
Classification: Uncertain significance. Last evaluated: 2023-12-12. Review status: criteria provided, single submitter. Criteria: ACMG Guidelines, 2015. Collection method: clinical testing. Allele origin: germline.

Labcorp Genetics (formerly Invitae), Labcorp
Classification: Uncertain significance for Primary ciliary dyskinesia. Last evaluated: 2022-07-06. Review status: criteria provided, single submitter. Criteria: Invitae Variant Classification Sherloc (09022015). Collection method: clinical testing. Allele origin: germline.
Comment: This sequence change replaces asparagine, which is neutral and polar, with serine, which is neutral and polar, at codon 623 of the DRC1 protein (p.Asn623Ser). This variant is present in population databases (rs573043964, gnomAD 0.03%). This variant has not been reported in the literature in individuals affected with DRC1-related conditions. ClinVar contains an entry for this variant (Variation ID: 407100). Algorithms developed to predict the effect of missense changes on protein structure and function are either unavailable or do not agree on the potential impact of this missense change (SIFT: "Tolerated"; PolyPhen-2: "Possibly Damaging"; Align-GVGD: "Class C0"). Algorithms developed to predict the effect of sequence changes on RNA splicing suggest that this variant may create or strengthen a splice site. In summary, the available evidence is currently insufficient to determine the role of this variant in disease. Therefore, it has been classified as a Variant of Uncertain Significance.